The following is an entry in ClinVar:

NM_001365276.2(TNXB):c.9990C>T (p.Leu3330=)

Gene: TNXB (tenascin XB; minus strand). Cytogenetic location: 6p21.33.
Variant type: single nucleotide variant.
Coding change: c.9990C>T on transcript NM_001365276.2 (MANE Select); coding-DNA position 9990, C replaced by T.
Protein change: p.Leu3330=; no amino-acid change (leucine 3330 retained).
Molecular consequence: synonymous variant.
Genome position (GRCh38, 1-based): chr6:32,048,418, G>A on the plus strand (C>T on the coding strand, the complement: TNXB is on the minus strand). VCF-style: chr6-32048418-G-A. GRCh37 (hg19) VCF-style: chr6-32016195-G-A.
Other names: p.Leu3328=; c.10731C>T, p.Leu3577= (NM_001428335.1); c.9984C>T, p.Leu3328= (NM_019105.8).
Identifiers: ClinVar variation 4615147 (VCV004615147.2).

ClinVar aggregate classification (germline): Likely benign. Review status: criteria provided, multiple submitters, no conflicts (2 of 4 stars). 2 submissions from 2 submitters: Likely benign (2). Last evaluated 2025-10-05.

Conditions:
Cardiovascular phenotype. Identifiers: MedGen CN230736.

gnomAD v4.1: 37 of 1,555,652 alleles (0.0024%); highest among the groups gnomAD compares: Non-Finnish European, 0.0031%; no homozygotes.

Submissions (2):

Ambry Genetics
Classification: Likely benign for Cardiovascular phenotype. Last evaluated: 2025-10-05. Review status: criteria provided, single submitter. Criteria: Ambry Variant Classification Scheme 2023. Collection method: clinical testing. Allele origin: germline.

Mayo Clinic Laboratories, Mayo Clinic
Classification: Likely benign. Last evaluated: 2025-06-10. Review status: criteria provided, single submitter. Criteria: ACMG Guidelines, 2015. Collection method: clinical testing. Allele origin: germline. Observed: 1 variant allele.
Comment: BP4, BP7